The following is an entry in ClinVar:

NM_004168.4(SDHA):c.120C>A (p.Asn40Lys)

Gene: SDHA (succinate dehydrogenase complex flavoprotein subunit A; plus strand). Cytogenetic location: 5p15.33.
Variant type: single nucleotide variant.
Coding change: c.120C>A on transcript NM_004168.4 (MANE Select); coding-DNA position 120, C replaced by A.
Protein change: p.Asn40Lys; replaces asparagine 40 with lysine.
Molecular consequence: missense variant.
Genome position (GRCh38, 1-based): chr5:223,538, C>A. VCF-style: chr5-223538-C-A. GRCh37 (hg19) VCF-style: chr5-223653-C-A.
Other names: c.120C>A, p.Asn40Lys (NM_001294332.2, NM_001330758.2); short protein forms N40K.
Identifiers: ClinVar variation 960690 (VCV000960690.10), dbSNP rs1579379803, ClinGen allele CA359008209.

ClinVar aggregate classification (germline): Uncertain significance (1 of 4 stars; one submission).

Conditions:
Mitochondrial complex II deficiency, nuclear type 1. Also called: SUCCINATE CoQ REDUCTASE DEFICIENCY. Identifiers: Orphanet 3208, MedGen C5700310, MONDO:0100294, OMIM 252011.
Pheochromocytoma/paraganglioma syndrome 5. Also called: Paragangliomas 5; SDHA-Related Hereditary Paraganglioma-Pheochromocytoma Syndrome. Identifiers: Orphanet 29072, MedGen C3279992, MONDO:0013602, OMIM 614165.

Submission:

Labcorp Genetics (formerly Invitae), Labcorp
Classification: Uncertain significance for Pheochromocytoma/paraganglioma syndrome 5; Mitochondrial complex II deficiency, nuclear type 1. Last evaluated: 2025-03-07. Review status: criteria provided, single submitter. Criteria: Invitae Variant Classification Sherloc (09022015). Collection method: clinical testing. Allele origin: germline.
Comment: This sequence change replaces asparagine, which is neutral and polar, with lysine, which is basic and polar, at codon 40 of the SDHA protein (p.Asn40Lys). This variant is not present in population databases (gnomAD no frequency). This variant has not been reported in the literature in individuals affected with SDHA-related conditions. ClinVar contains an entry for this variant (Variation ID: 960690). Invitae Evidence Modeling of protein sequence and biophysical properties (such as structural, functional, and spatial information, amino acid conservation, physicochemical variation, residue mobility, and thermodynamic stability) indicates that this missense variant is not expected to disrupt SDHA protein function with a negative predictive value of 95%. In summary, the available evidence is currently insufficient to determine the role of this variant in disease. Therefore, it has been classified as a Variant of Uncertain Significance.